The following is an entry in ClinVar:

ClinVar aggregate classification (germline): Uncertain significance (1 of 4 stars; one submission).

Conditions:
Fanconi anemia complementation group J. Also called: BRIP1-Related Fanconi Anemia. Identifiers: Orphanet 84, MedGen C1836860, MONDO:0012187, OMIM 609054.
Familial cancer of breast. Also called: BREAST CANCER, FAMILIAL; Hereditary breast cancer; hereditary breast carcinoma. Identifiers: Orphanet 227535, MedGen C0346153, MONDO:0016419, OMIM 114480. Disease mechanism: loss of function.

Submission:

Labcorp Genetics (formerly Invitae), Labcorp
Classification: Uncertain significance for Familial cancer of breast; Fanconi anemia complementation group J. Last evaluated: 2020-04-08. Review status: criteria provided, single submitter. Criteria: Invitae Variant Classification Sherloc (09022015). Collection method: clinical testing. Allele origin: germline.
Comment: This variant is not present in population databases (ExAC no frequency). Experimental studies and prediction algorithms are not available or were not evaluated, and the functional significance of this variant is currently unknown. In summary, the available evidence is currently insufficient to determine the role of this variant in disease. Therefore, it has been classified as a Variant of Uncertain Significance. This sequence change replaces cysteine with glycine at codon 1164 of the BRIP1 protein (p.Cys1164Gly). The cysteine residue is weakly conserved and there is a large physicochemical difference between cysteine and glycine.

NM_032043.3(BRIP1):c.3489_3490delinsCG (p.Cys1164Gly)

Gene: BRIP1 (BRCA1 interacting DNA helicase 1; minus strand). Cytogenetic location: 17q23.2.
Variant type: Indel.
Coding change: c.3489_3490delinsCG on transcript NM_032043.3 (MANE Select); coding-DNA positions 3489 to 3490, TT replaced by CG.
Protein change: p.Cys1164Gly; replaces cysteine 1164 with glycine.
Molecular consequence: missense variant.
Genome position (GRCh38, 1-based): chr17:61,683,556-61,683,557, AA replaced by CG on the plus strand (TT replaced by CG on the coding strand, the reverse complement: BRIP1 is on the minus strand). VCF-style: chr17-61683556-AA-CG. GRCh37 (hg19) VCF-style: chr17-59760917-AA-CG.
Other names: short protein forms C1164G.
Identifiers: ClinVar variation 1043612 (VCV001043612.8), dbSNP rs2061304770, ClinGen allele CA2269130850.
Genomic context (GRCh38, chr17:61,683,556, plus strand): 5'-CTCTGGCTGAATCTACTTCTTTTATAGTTCTAATTTCAAAAAGGTCTTTAGCTAAAATGC[AA>CG]TCTGAATTGTTAGCCAATCTATTTCCTCTATCAGTTTCAGCTAGGTCATTTTTTTCTTCA-3'
Protein context (NP_114432.2, residues 1154-1174): RGNRLANNSD[Cys1164Gly]ILAKDLFEIR